The following is an entry in ClinVar:

ClinVar aggregate classification (germline): Pathogenic/Likely pathogenic. Review status: criteria provided, multiple submitters, no conflicts (2 of 4 stars). 4 submissions from 4 submitters: Pathogenic (1); Likely pathogenic (2). 1 of the submissions does not count toward it. Last evaluated 2025-08-21.

Conditions:
Mucopolysaccharidosis, MPS-II (MPS2). Also called: Attenuated MPS (subtype; formerly known as mild MPS II); Severe MPS II; I2S deficiency; MPS 2; Hunter Syndrome; IDURONATE 2-SULFATASE DEFICIENCY. Identifiers: Orphanet 580, Orphanet 79388, MedGen C0026705, MONDO:0010674, OMIM 309900.

Submissions (7):

Labcorp Genetics (formerly Invitae), Labcorp
Classification: Pathogenic for Mucopolysaccharidosis, MPS-II. Last evaluated: 2025-08-21. Review status: criteria provided, single submitter. Criteria: Invitae Variant Classification Sherloc (09022015). Collection method: clinical testing. Allele origin: germline.
Comment: This sequence change replaces tryptophan, which is neutral and slightly polar, with cysteine, which is neutral and slightly polar, at codon 267 of the IDS protein (p.Trp267Cys). This variant is not present in population databases (gnomAD no frequency). This missense change has been observed in individual(s) with mucopolysaccharidosis II (PMID: 31877959, 35144014; internal data). ClinVar contains an entry for this variant (Variation ID: 1065831). Invitae Evidence Modeling of protein sequence and biophysical properties (such as structural, functional, and spatial information, amino acid conservation, physicochemical variation, residue mobility, and thermodynamic stability) indicates that this missense variant is expected to disrupt IDS protein function with a positive predictive value of 80%. Experimental studies have shown that this missense change affects IDS function (PMID: 15614569). For these reasons, this variant has been classified as Pathogenic.

GeneDx
Classification: Likely pathogenic. Last evaluated: 2025-03-10. Review status: criteria provided, single submitter. Criteria: GeneDx Variant Classification Process June 2021. Collection method: clinical testing. Allele origin: germline. Affected: yes.
Comment: Published functional studies found this variant is associated with reduced enzyme activity (PMID: 15614569); In silico analysis supports that this missense variant has a deleterious effect on protein structure/function; Not observed at significant frequency in large population cohorts (gnomAD); This variant is associated with the following publications: (PMID: 31877959, 35144014, 15614569, 27695081)

Laboratory of Diagnosis and Therapy of Lysosomal Disorders, University of Padova
Classification: Likely pathogenic for Mucopolysaccharidosis, MPS-II. Last evaluated: 2024-06-07. Review status: criteria provided, single submitter. Criteria: ACMG Guidelines, 2015. Collection method: literature only. Allele origin: germline. Affected: yes. Observed: 4 variant alleles.
Comment: In vitro or in vivo functional studies supportive of a damaging effect (PS3_Moderate), Absent from controls (or at low frequency) in gnomAD database (PM2_Moderate), Missense variant in a gene with a low rate of benign missense variation (PP2_Supporting), Multiple lines of computational evidence support a deleterious effect (PP3_Supporting), Patient’s phenotype or family history highly specific for the disease (PP4_Moderate)

Classification method: ACMG Guidelines [PMID:25741868] with modifications

Division of Medical Genetics, Department of Pediatrics, All India Institute of Medical Sciences, New Delhi
Classification: Affects for Mucopolysaccharidosis, MPS-II. Last evaluated: 2014-04-09. Review status: no assertion criteria provided. Collection method: research. Allele origin: germline. Inheritance: X-linked recessive inheritance. Affected: yes. Observed: 2 variant alleles, 2 hemizygotes. Clinical features observed: Coarse facial features (HP:0000280), Arthropathy (HP:0003040), Hernia (HP:0100790), Hepatosplenomegaly (HP:0001433), Abnormal echocardiogram (HP:0003116). Not counted in ClinVar's aggregate classification.
Comment: The change c.801G>T (p.W267C)) was found to be a missense variant, where the aromatic nonpolar neutral amino acid Tryptophan at 267 position was substituted by sulfur-containing nonpolar neutral amino acid Cysteine. It was detected in the hemizygous condition in two sibs from same family with MPS-II attenuated phenotype from Jharkhand, India.

Dr. Peter K. Rogan Lab, Western University
No classification provided (evidence only). Condition: Thyroid cancer, nonmedullary, 1. Review status: no classification provided. Collection method: in vitro. Allele origin: not applicable. Functional consequence: skipped exon. Not counted in ClinVar's aggregate classification.

Dr. Peter K. Rogan Lab, Western University
No classification provided (evidence only). Condition: Thyroid cancer, nonmedullary, 1. Review status: no classification provided. Collection method: in vitro. Allele origin: not applicable. Functional consequence: retained intron. Not counted in ClinVar's aggregate classification.

Dr. Peter K. Rogan Lab, Western University
No classification provided (evidence only). Condition: Thyroid cancer, nonmedullary, 1. Review status: no classification provided. Collection method: in vitro. Allele origin: not applicable. Functional consequence: retained intron. Not counted in ClinVar's aggregate classification.

Literature cited by the submitters: PubMed 31877959 (cited by Labcorp Genetics (formerly Invitae), Labcorp and Laboratory of Diagnosis and Therapy of Lysosomal Disorders, University of Padova); PubMed 35144014 (cited by Labcorp Genetics (formerly Invitae), Labcorp and Laboratory of Diagnosis and Therapy of Lysosomal Disorders, University of Padova); PubMed 15614569 (cited by Labcorp Genetics (formerly Invitae), Labcorp and Laboratory of Diagnosis and Therapy of Lysosomal Disorders, University of Padova).

NM_000202.8(IDS):c.801G>T (p.Trp267Cys)

Genes: IDS (iduronate 2-sulfatase; minus strand), LOC106050102 (IDS recombination region; plus strand). Cytogenetic location: Xq28.
Variant type: single nucleotide variant.
Coding change: c.801G>T on transcript NM_000202.8 (MANE Select); coding-DNA position 801, G replaced by T.
Protein change: p.Trp267Cys; replaces tryptophan 267 with cysteine.
Molecular consequence: missense variant. On other transcripts: non-coding transcript variant (1).
Genome position (GRCh38, 1-based): chrX:149,496,424, C>A on the plus strand (G>T on the coding strand, the complement: IDS is on the minus strand). VCF-style: chrX-149496424-C-A. GRCh37 (hg19) VCF-style: chrX-148577955-C-A.
Other names: c.801G>T (NM_000202.4); c.531G>T, p.Trp177Cys (NM_001166550.4); c.801G>T, p.Trp267Cys (NM_006123.5); short protein forms W177C, W267C.
Identifiers: ClinVar variation 1065831 (VCV001065831.11), dbSNP rs2124041510, ClinGen allele CA414521912.
Genomic context (GRCh38, chrX:149,496,424, plus strand): 5'-TGGACCATACGGCACACTGATGTTTAAGGCTTGGACGTCTTCCCGTTGCCTGATGTCCAT[C>A]CAGGGGTTGTAGGCCACAGGGGGTAGGCCATCAGGGACCTCGGGATCGGGGGCCAGGGTG-3'
Protein context (NP_000193.1, residues 257-277): DGLPPVAYNP[Trp267Cys]MDIRQREDVQ